The following is an entry in ClinVar:

ClinVar aggregate classification (germline): Uncertain significance (1 of 4 stars; one submission).

Conditions:
Costello syndrome (CSTLO). Also called: FACIOCUTANEOSKELETAL SYNDROME; HRAS-Related Costello Syndrome; FCS SYNDROME. Identifiers: Orphanet 3071, MedGen C0587248, MONDO:0009026, OMIM 218040.

Submission:

Labcorp Genetics (formerly Invitae), Labcorp
Classification: Uncertain significance for Costello syndrome. Last evaluated: 2023-05-24. Review status: criteria provided, single submitter. Criteria: Invitae Variant Classification Sherloc (09022015). Collection method: clinical testing. Allele origin: germline.
Comment: In summary, the available evidence is currently insufficient to determine the role of this variant in disease. Therefore, it has been classified as a Variant of Uncertain Significance. Advanced modeling of protein sequence and biophysical properties (such as structural, functional, and spatial information, amino acid conservation, physicochemical variation, residue mobility, and thermodynamic stability) performed at Invitae indicates that this missense variant is not expected to disrupt HRAS protein function. This variant has not been reported in the literature in individuals affected with HRAS-related conditions. This variant is not present in population databases (gnomAD no frequency). This sequence change replaces glycine, which is neutral and non-polar, with serine, which is neutral and polar, at codon 178 of the HRAS protein (p.Gly178Ser).

NM_005343.4(HRAS):c.532G>A (p.Gly178Ser)

Genes: HRAS (HRas proto-oncogene, GTPase; minus strand), LRRC56 (leucine rich repeat containing 56; plus strand). Cytogenetic location: 11p15.5.
Variant type: single nucleotide variant.
Coding change: c.532G>A on transcript NM_005343.4 (MANE Select); coding-DNA position 532, G replaced by A.
Protein change: p.Gly178Ser; replaces glycine 178 with serine.
Molecular consequence: missense variant. On other transcripts: 3 prime UTR variant (1).
Genome position (GRCh38, 1-based): chr11:532,674, C>T on the plus strand (G>A on the coding strand, the complement: HRAS is on the minus strand). VCF-style: chr11-532674-C-T. GRCh37 (hg19) VCF-style: chr11-532674-C-T.
Other names: c.532G>A, p.Gly178Ser (NM_001130442.3); c.295G>A, p.Gly99Ser (NM_001318054.2); c.*101G>A (NM_176795.5); short protein forms G99S, G178S.
Identifiers: ClinVar variation 2709469 (VCV002709469.3), dbSNP rs1445835026, ClinGen allele CA378921006.
Genomic context (GRCh38, chr11:532,674, plus strand): 5'-CTGGGAGTCCCCCTCACCTGCGTCAGGAGAGCACACACTTGCAGCTCATGCAGCCGGGGC[C>T]ACTCTCATCAGGAGGGTTCAGCTTCCGCAGCTTGTGCTGCCGGATCTCACGCACCAACGT-3'
Protein context (NP_005334.1, residues 168-188): LRKLNPPDES[Gly178Ser]PGCMSCKCVL